The following is an entry in ClinVar:

ClinVar aggregate classification (germline): Uncertain significance (1 of 4 stars; one submission).

Conditions:
KMT2D-related disorder. Also called: KMT2D-Related Disorders.

gnomAD v4.1: 8 of 1,613,158 alleles (0.0005%); highest among the groups gnomAD compares: Non-Finnish European, 0.00051%; no homozygotes.

Submission:

PreventionGenetics, part of Exact Sciences
Classification: Uncertain significance for KMT2D-related condition. Last evaluated: 2026-08-05. Review status: criteria provided, single submitter. Criteria: ACMG Guidelines, 2015. Collection method: clinical testing. Allele origin: germline.
Comment: The KMT2D c.15201G>A variant is not predicted to result in an amino acid change (p.=). This variant is predicted to impact splicing based on available splicing prediction programs (SpliceAI, Jaganathan et al. 2019. PubMed ID: 30661751). To our knowledge, this variant has not been reported in the literature or in a large population database (gnomAD), indicating this variant is rare. At this time, the clinical significance of this variant is uncertain due to the absence of conclusive functional and genetic evidence.

NM_003482.4(KMT2D):c.15201G>A (p.Thr5067=)

Gene: KMT2D (lysine methyltransferase 2D; minus strand). Cytogenetic location: 12q13.12.
Variant type: single nucleotide variant.
Coding change: c.15201G>A on transcript NM_003482.4 (MANE Select); coding-DNA position 15201, G replaced by A.
Protein change: p.Thr5067=; no amino-acid change (threonine 5067 retained).
Molecular consequence: synonymous variant.
Genome position (GRCh38, 1-based): chr12:49,026,765, C>T on the plus strand (G>A on the coding strand, the complement: KMT2D is on the minus strand). VCF-style: chr12-49026765-C-T. GRCh37 (hg19) VCF-style: chr12-49420548-C-T.
Identifiers: ClinVar variation 4979563 (VCV004979563.1).